The following is an entry in ClinVar:

ClinVar aggregate classification (germline): Benign (1 of 4 stars; one submission).

Allele frequency attached by ClinVar (database versions not stated): 1000 Genomes Project 0.37061; 1000 Genomes Project 30x 0.37945; gnomAD 0.42177 and 0.43165; TOPMed 0.42485.
gnomAD v4.1: 63,963 of 151,894 alleles (42%); highest among the groups gnomAD compares: African/African-American, 57%; 14,326 homozygotes.

Submission:

GeneDx
Classification: Benign. Last evaluated: 2018-06-19. Review status: criteria provided, single submitter. Criteria: GeneDx Variant Classification (06012015). Collection method: clinical testing. Allele origin: germline. Affected: yes.
Comment: This variant is considered likely benign or benign based on one or more of the following criteria: it is a conservative change, it occurs at a poorly conserved position in the protein, it is predicted to be benign by multiple in silico algorithms, and/or has population frequency not consistent with disease.

NM_012434.5(SLC17A5):c.979-233G>A

Genes: SLC17A5 (solute carrier family 17 member 5; minus strand), LOC132089451 (Neanderthal introgressed variant-containing enhancer experimental_94405; plus strand). Cytogenetic location: 6q13.
Variant type: single nucleotide variant.
Coding change: c.979-233G>A on transcript NM_012434.5 (MANE Select); 233 bases into the intron before coding-DNA position 979, G replaced by A.
Molecular consequence: intron variant.
Genome position (GRCh38, 1-based): chr6:73,615,680, C>T on the plus strand (G>A on the coding strand, the complement: SLC17A5 is on the minus strand). VCF-style: chr6-73615680-C-T. GRCh37 (hg19) VCF-style: chr6-74325403-C-T.
Identifiers: ClinVar variation 672093 (VCV000672093.1), dbSNP rs485802, ClinGen allele CA140958811.
Genomic context (GRCh38, chr6:73,615,680, plus strand): 5'-GGTTCAGTCCAAGGCAGTCCCTAAGAGTCTGTCTCAGAGGGAAATAAGCCTTGCCCTAGT[C>T]CTGTCTGCTTCGGGTAATCTTGACTGTTTCTCTGGGATCTGGGTTGTGAGAGAAGACAAA-3'